The following is an entry in ClinVar:

NM_152564.5(VPS13B):c.6009del (p.Phe2003fs)

Gene: VPS13B (vacuolar protein sorting 13 homolog B; plus strand). Cytogenetic location: 8q22.2.
Variant type: Deletion.
Coding change: c.6009del on transcript NM_152564.5 (MANE Select); coding-DNA position 6009, one base deleted (T; older notation c.6009delT).
Protein change: p.Phe2003fs; shifts the reading frame from phenylalanine 2003.
Molecular consequence: frameshift variant.
Genome position (GRCh38, 1-based): chr8:99,661,454, T deleted; the last of 3 consecutive T bases (chr8:99,661,452-99,661,454); deleting any one gives the same sequence. VCF-style (leftmost placement, unchanged base first): chr8-99661451-CT-C. GRCh37 (hg19) VCF-style: chr8-100673679-CT-C.
Other names: c.6084delT (NM_017890.4, NM_017890.5); c.6084del, p.Phe2028fs (NM_017890.5); c.6009delT (NM_152564.4); short protein forms F2003fs.
Identifiers: ClinVar variation 437257 (VCV000437257.20), dbSNP rs1357171752, ClinGen allele CA583873552.

ClinVar aggregate classification (germline): Pathogenic/Likely pathogenic. Review status: criteria provided, multiple submitters, no conflicts (2 of 4 stars). 9 submissions from 9 submitters: Pathogenic (5); Likely pathogenic (3). 1 of the submissions does not count toward it. Last evaluated 2026-09-15.

Conditions:
VPS13B-related disorder. Also called: VPS13B-related condition.
Cohen syndrome (COH1). Also called: PEPPER SYNDROME; Cutis verticis gyrata, retinitis pigmentosa, and sensorineural deafness. Identifiers: Orphanet 193, MedGen C0265223, MONDO:0008999, OMIM 216550.

Submissions (9):

PreventionGenetics, part of Exact Sciences
Classification: Pathogenic for VPS13B-related condition. Last evaluated: 2026-09-15. Review status: criteria provided, single submitter. Criteria: ACMG Guidelines, 2015. Collection method: clinical testing. Allele origin: germline.
Comment: The VPS13B c.6009delT variant is predicted to result in a frameshift and premature protein termination (p.Phe2003Leufs*2). To our knowledge, this variant has not been reported in the literature. This variant is reported in 0.00088% of alleles in individuals of European (Non-Finnish) descent in gnomAD. Frameshift variants in VPS13B are expected to be pathogenic. This variant is interpreted as pathogenic.

GeneDx
Classification: Likely pathogenic. Last evaluated: 2026-05-28. Review status: criteria provided, single submitter. Criteria: GeneDx Variant Classification Process June 2021. Collection method: clinical testing. Allele origin: germline.
Comment: Frameshift variant predicted to result in protein truncation or nonsense mediated decay in a gene for which loss-of-function is a known mechanism of disease; Not observed at significant frequency in large population cohorts (gnomAD); Has not been previously published as pathogenic or benign to our knowledge

Dasa
Classification: Likely pathogenic. Last evaluated: 2025-03-02. Review status: criteria provided, single submitter. Criteria: DASA Assertion Criteria. Collection method: clinical testing. Allele origin: germline.
Comment: NM_152564.5(VPS13B):c.6009del (p.Phe2003Leufs*2) is a frameshift variant in VPS13B predicted to alter the reading frame and introduce a premature termination codon and is predicted to result in an absent or altered protein product. Loss of function is an established disease mechanism for VPS13B-associated disorders. Also, this variant is rare in population databases. Based on the currently available evidence, this variant is classified as likely pathogenic.

Labcorp Genetics (formerly Invitae), Labcorp
Classification: Pathogenic for Cohen syndrome. Last evaluated: 2024-12-23. Review status: criteria provided, single submitter. Criteria: Invitae Variant Classification Sherloc (09022015). Collection method: clinical testing. Allele origin: germline.
Comment: This sequence change creates a premature translational stop signal (p.Phe2028Leufs*2) in the VPS13B gene. It is expected to result in an absent or disrupted protein product. Loss-of-function variants in VPS13B are known to be pathogenic (PMID: 15141358, 16648375, 20461111). This variant is present in population databases (no rsID available, gnomAD 0.0009%). This variant has not been reported in the literature in individuals affected with VPS13B-related conditions. ClinVar contains an entry for this variant (Variation ID: 437257). For these reasons, this variant has been classified as Pathogenic.

Women's Health and Genetics/Laboratory Corporation of America, LabCorp
Classification: Pathogenic for Cohen syndrome. Last evaluated: 2024-10-23. Review status: criteria provided, single submitter. Criteria: LabCorp Variant Classification Summary - May 2015. Collection method: clinical testing. Allele origin: germline.
Comment: Variant summary: VPS13B c.6084delT (p.Phe2028LeufsX2) results in a premature termination codon, predicted to cause absence of the protein due to nonsense mediated decay, which is a commonly known mechanism for disease. The variant allele was found at a frequency of 4e-06 in 250804 control chromosomes. To our knowledge, no occurrence of c.6084delT in individuals affected with Cohen Syndrome and no experimental evidence demonstrating its impact on protein function have been reported. ClinVar contains an entry for this variant (Variation ID: 437257). Based on the evidence outlined above, the variant was classified as pathogenic.

Blueprint Genetics
Classification: Likely pathogenic for VPS13B-related disorders. Last evaluated: 2024-09-25. Review status: criteria provided, single submitter. Criteria: ACMG Guidelines, 2015. Collection method: clinical testing. Allele origin: germline. Affected: yes. Observed: 5 variant alleles.

Fulgent Genetics
Classification: Pathogenic for Cohen syndrome. Last evaluated: 2024-05-14. Review status: criteria provided, single submitter. Criteria: ACMG Guidelines, 2015. Collection method: clinical testing. Allele origin: germline.

Genetic Services Laboratory, University of Chicago
Classification: Pathogenic for Cohen syndrome. Last evaluated: 2016-01-20. Review status: criteria provided, single submitter. Criteria: ACMG Guidelines, 2015. Collection method: clinical testing. Allele origin: germline. Affected: yes.

Counsyl
Classification: Likely pathogenic for Cohen syndrome. Last evaluated: 2017-02-07. Review status: no assertion criteria provided. Collection method: clinical testing. Allele origin: unknown. Not counted in ClinVar's aggregate classification.

Literature cited by the submitters: PubMed 15141358 (cited by Labcorp Genetics (formerly Invitae), Labcorp); PubMed 16648375 (cited by Labcorp Genetics (formerly Invitae), Labcorp); PubMed 20461111 (cited by Labcorp Genetics (formerly Invitae), Labcorp).